The following is an entry in ClinVar:

NM_003590.5(CUL3):c.*2192T>C

Gene: CUL3 (cullin 3; minus strand). Cytogenetic location: 2q36.2.
Variant type: single nucleotide variant.
Coding change: c.*2192T>C on transcript NM_003590.5 (MANE Select); 2192 bases downstream of the stop codon, T replaced by C.
Molecular consequence: 3 prime UTR variant.
Genome position (GRCh38, 1-based): chr2:224,472,053, A>G on the plus strand (T>C on the coding strand, the complement: CUL3 is on the minus strand). VCF-style: chr2-224472053-A-G. GRCh37 (hg19) VCF-style: chr2-225336770-A-G.
Other names: c.*2192T>C (NM_001257197.2, NM_001257198.2).
Identifiers: ClinVar variation 334602 (VCV000334602.7), dbSNP rs3768898, ClinGen allele CA10614512.

ClinVar aggregate classification (germline): Benign. Review status: criteria provided, multiple submitters, no conflicts (2 of 4 stars). 2 submissions from 2 submitters: Benign (2). Last evaluated 2018-01-13.

Conditions:
Pseudohypoaldosteronism type 2E (PHA2E). Also called: Pseudohypoaldosteronism Type IIE. Identifiers: Orphanet 300530, Orphanet 757, MedGen C3469606, MONDO:0013782, OMIM 614496.

Allele frequency attached by ClinVar (database versions not stated): gnomAD exomes 0.16462; gnomAD 0.18207; TOPMed 0.19111; 1000 Genomes Project 30x 0.23235; 1000 Genomes Project 0.23303.
gnomAD v4.1: 40,965 of 230,492 alleles (18%); highest among the groups gnomAD compares: East Asian, 29%; 4,185 homozygotes.

Submissions (2):

Illumina Laboratory Services, Illumina
Classification: Benign for Pseudohypoaldosteronism type 2E. Last evaluated: 2018-01-13. Review status: criteria provided, single submitter. Criteria: ICSL Variant Classification Criteria 13 December 2019. Collection method: clinical testing. Allele origin: germline.
Comment: This variant was observed in the ICSL laboratory as part of a predisposition screen in an ostensibly healthy population. It had not been previously curated by ICSL or reported in the Human Gene Mutation Database (HGMD: prior to June 1st, 2018), and was therefore a candidate for classification through an automated scoring system. Utilizing variant allele frequency, disease prevalence and penetrance estimates, and inheritance mode, an automated score was calculated to assess if this variant is too frequent to cause the disease. Based on the score and internal cut-off values, a variant classified as benign is not then subjected to further curation. The score for this variant resulted in a classification of benign for this disease.

Breakthrough Genomics
Classification: Benign. Review status: criteria provided, single submitter. Criteria: ACMG Guidelines, 2015. Collection method: not provided. Allele origin: germline. Inheritance: Autosomal dominant inheritance. Affected: yes.